The following is an entry in ClinVar:

ClinVar aggregate classification (germline): Conflicting classifications of pathogenicity. Review status: criteria provided, conflicting classifications (1 of 4 stars). 3 submissions from 3 submitters: Uncertain significance (1); Likely benign (2). Last evaluated 2026-08-18.

Conditions:
Hereditary cancer-predisposing syndrome. Also called: Hereditary neoplastic syndrome; Neoplastic Syndromes, Hereditary; Tumor predisposition; Hereditary Cancer Syndrome. Identifiers: Orphanet 140162, MedGen C0027672, MeSH D009386, MONDO:0015356.
Hereditary breast ovarian cancer syndrome. Also called: Hereditary breast and ovarian cancer syndrome (HBOC); Hereditary breast and ovarian cancer; Breast and ovarian cancer; Hereditary breast and/or ovarian cancer syndrome; Hereditary breast and ovarian cancer syndrome; BRCA1- and BRCA2-Associated Hereditary Breast and Ovarian Cancer. Identifiers: Orphanet 145, MedGen C0677776, MeSH D061325, MONDO:0003582. Disease mechanism: loss of function.

Submissions (3):

Ambry Genetics
Classification: Likely benign for Hereditary cancer-predisposing syndrome. Last evaluated: 2026-08-18. Review status: criteria provided, single submitter. Criteria: Ambry Variant Classification Scheme 2023. Collection method: clinical testing. Allele origin: germline.

Labcorp Genetics (formerly Invitae), Labcorp
Classification: Uncertain significance for Hereditary breast ovarian cancer syndrome. Last evaluated: 2024-09-29. Review status: criteria provided, single submitter. Criteria: Invitae Variant Classification Sherloc (09022015). Collection method: clinical testing. Allele origin: germline.
Comment: This sequence change replaces valine, which is neutral and non-polar, with methionine, which is neutral and non-polar, at codon 643 of the BRCA2 protein (p.Val643Met). This variant is not present in population databases (gnomAD no frequency). This variant has not been reported in the literature in individuals affected with BRCA2-related conditions. ClinVar contains an entry for this variant (Variation ID: 2012109). Invitae Evidence Modeling of protein sequence and biophysical properties (such as structural, functional, and spatial information, amino acid conservation, physicochemical variation, residue mobility, and thermodynamic stability) indicates that this missense variant is not expected to disrupt BRCA2 protein function with a negative predictive value of 95%. In summary, the available evidence is currently insufficient to determine the role of this variant in disease. Therefore, it has been classified as a Variant of Uncertain Significance.

University of Washington Department of Laboratory Medicine, University of Washington
Classification: Likely benign for Hereditary cancer-predisposing syndrome. Last evaluated: 2023-03-23. Review status: criteria provided, single submitter. Criteria: Dines et al. (Genet Med. 2020). Collection method: curation. Allele origin: germline.
Comment: Missense variant in a coldspot region where missense variants are very unlikely to be pathogenic (PMID:31911673).

BRCA2 exon 11 coldspot. Reclassification based on statistical prior probability.

NM_000059.4(BRCA2):c.1927G>A (p.Val643Met)

Gene: BRCA2 (BRCA2 DNA repair associated; plus strand). Cytogenetic location: 13q13.1.
Variant type: single nucleotide variant.
Coding change: c.1927G>A on transcript NM_000059.4 (MANE Select); coding-DNA position 1927, G replaced by A.
Protein change: p.Val643Met; replaces valine 643 with methionine.
Molecular consequence: missense variant.
Genome position (GRCh38, 1-based): chr13:32,336,282, G>A. VCF-style: chr13-32336282-G-A. GRCh37 (hg19) VCF-style: chr13-32910419-G-A.
Other names: c.1927G>A, p.Val643Met (NM_001406719.1, NM_001406720.1); short protein forms V643M.
Identifiers: ClinVar variation 2012109 (VCV002012109.7), dbSNP rs748394046, ClinGen allele CA387768282.
Genomic context (GRCh38, chr13:32,336,282, plus strand): 5'-TTGATGGTACTTTAATTTTGTCACTTTGTGTTTTTATGTTTAGGTTTATTGCATTCTTCT[G>A]TGAAAAGAAGCTGTTCACAGAATGATTCTGAAGAACCAACTTTGTCCTTAACTAGCTCTT-3'
Protein context (NP_000050.3, residues 633-653): NADSGLLHSS[Val643Met]KRSCSQNDSE